The following is an entry in ClinVar:

NM_001267550.2(TTN):c.66332T>A (p.Ile22111Lys)

Genes: TTN (titin; minus strand), TTN-AS1 (TTN antisense RNA 1; plus strand). Cytogenetic location: 2q31.2.
Variant type: single nucleotide variant.
Coding change: c.66332T>A on transcript NM_001267550.2 (MANE Select); coding-DNA position 66332, T replaced by A.
Protein change: p.Ile22111Lys; replaces isoleucine 22111 with lysine.
Molecular consequence: missense variant.
Genome position (GRCh38, 1-based): chr2:178,582,037, A>T on the plus strand (T>A on the coding strand, the complement: TTN is on the minus strand). VCF-style: chr2-178582037-A-T. GRCh37 (hg19) VCF-style: chr2-179446764-A-T.
Other names: c.61409T>A, p.Ile20470Lys (NM_001256850.1); c.39137T>A, p.Ile13046Lys (NM_003319.4); c.58628T>A, p.Ile19543Lys (NM_133378.4); c.39512T>A, p.Ile13171Lys (NM_133432.3); c.39713T>A, p.Ile13238Lys (NM_133437.4); short protein forms I13046K, I13171K, I13238K, I19543K, I20470K, I22111K.
Identifiers: ClinVar variation 1696008 (VCV001696008.3), dbSNP rs374614550, ClinGen allele CA60959097.

ClinVar aggregate classification (germline): Uncertain significance. Review status: criteria provided, multiple submitters, no conflicts (2 of 4 stars). 2 submissions from 2 submitters: Uncertain significance (2). Last evaluated 2022-05-02.

Conditions:
Cardiovascular phenotype. Identifiers: MedGen CN230736.

Allele frequency attached by ClinVar (database versions not stated): gnomAD exomes 0.00001.
gnomAD v4.1: 16 of 1,613,254 alleles (0.00099%); highest among the groups gnomAD compares: Non-Finnish European, 0.0014%; no homozygotes.

Submissions (2):

Women's Health and Genetics/Laboratory Corporation of America, LabCorp
Classification: Uncertain significance. Last evaluated: 2022-05-02. Review status: criteria provided, single submitter. Criteria: LabCorp Variant Classification Summary - May 2015. Collection method: clinical testing. Allele origin: germline.

Ambry Genetics
Classification: Uncertain significance for Cardiovascular phenotype. Last evaluated: 2019-08-13. Review status: criteria provided, single submitter. Criteria: Ambry Variant Classification Scheme 2023. Collection method: clinical testing. Allele origin: germline.
Comment: The p.I13046K variant (also known as c.39137T>A), located in coding exon 142 of the TTN gene, results from a T to A substitution at nucleotide position 39137. The isoleucine at codon 13046 is replaced by lysine, an amino acid with dissimilar properties. This amino acid position is well conserved in available vertebrate species. In addition, this alteration is predicted to be tolerated by in silico analysis. Since supporting evidence is limited at this time, the clinical significance of this alteration remains unclear.